The following is an entry in ClinVar:

NM_021076.4(NEFH):c.298C>G (p.Gln100Glu)

Gene: NEFH (neurofilament heavy chain; plus strand). Cytogenetic location: 22q12.2.
Variant type: single nucleotide variant.
Coding change: c.298C>G on transcript NM_021076.4 (MANE Select); coding-DNA position 298, C replaced by G.
Protein change: p.Gln100Glu; replaces glutamine 100 with glutamic acid.
Molecular consequence: missense variant.
Genome position (GRCh38, 1-based): chr22:29,480,560, C>G. VCF-style: chr22-29480560-C-G. GRCh37 (hg19) VCF-style: chr22-29876549-C-G.
Other names: short protein forms Q100E.
Identifiers: ClinVar variation 2880141 (VCV002880141.3), dbSNP rs1349792874, ClinGen allele CA411122511.

ClinVar aggregate classification (germline): Uncertain significance (1 of 4 stars; one submission).

Allele frequency attached by ClinVar (database versions not stated): TOPMed 0.00002.
gnomAD v4.1: 1 of 1,542,830 alleles (0.000065%); highest among the groups gnomAD compares: African/African-American, 0.0014%; no homozygotes.

Submission:

Labcorp Genetics (formerly Invitae), Labcorp
Classification: Uncertain significance. Last evaluated: 2023-05-05. Review status: criteria provided, single submitter. Criteria: Invitae Variant Classification Sherloc (09022015). Collection method: clinical testing. Allele origin: germline.
Comment: This variant has not been reported in the literature in individuals affected with NEFH-related conditions. This variant is present in population databases (no rsID available, gnomAD 0.01%). This sequence change replaces glutamine, which is neutral and polar, with glutamic acid, which is acidic and polar, at codon 100 of the NEFH protein (p.Gln100Glu). Experimental studies and prediction algorithms are not available or were not evaluated, and the functional significance of this variant is currently unknown. In summary, the available evidence is currently insufficient to determine the role of this variant in disease. Therefore, it has been classified as a Variant of Uncertain Significance.